The following is an entry in ClinVar:

ClinVar aggregate classification (germline): Uncertain significance. Review status: criteria provided, multiple submitters, no conflicts (2 of 4 stars). 2 submissions from 2 submitters: Uncertain significance (2). Last evaluated 2025-04-19.

Conditions:
Lethal multiple pterygium syndrome (LMPS). Identifiers: Orphanet 33108, MedGen C1854678, MONDO:0009668, OMIM 253290.

Allele frequency attached by ClinVar (database versions not stated): TOPMed 0.00001; gnomAD 0.00002; gnomAD exomes 0.00002.

Submissions (2):

Labcorp Genetics (formerly Invitae), Labcorp
Classification: Uncertain significance for Lethal multiple pterygium syndrome. Last evaluated: 2025-04-19. Review status: criteria provided, single submitter. Criteria: Invitae Variant Classification Sherloc (09022015). Collection method: clinical testing. Allele origin: germline.
Comment: This sequence change results in a frameshift in the CHRND gene (p.Cys473Leufs*100). While this is not anticipated to result in nonsense mediated decay, it is expected to disrupt the last 45 amino acid(s) of the CHRND protein and extend the protein by 54 additional amino acid residues. This variant is present in population databases (no rsID available, gnomAD 0.01%). This variant has not been reported in the literature in individuals affected with CHRND-related conditions. ClinVar contains an entry for this variant (Variation ID: 1007344). In summary, the available evidence is currently insufficient to determine the role of this variant in disease. Therefore, it has been classified as a Variant of Uncertain Significance.

GeneDx
Classification: Uncertain significance. Last evaluated: 2022-12-07. Review status: criteria provided, single submitter. Criteria: GeneDx Variant Classification Process June 2021. Collection method: clinical testing. Allele origin: germline. Affected: yes.
Comment: Frameshift variant predicted to result in protein truncation as the last 45 amino acids are replaced with 99 different amino acids, although loss-of-function variants have not been reported downstream of this position in the protein; Has not been previously published as pathogenic or benign to our knowledge

NM_000751.3(CHRND):c.1417dup (p.Cys473fs)

Gene: CHRND (cholinergic receptor nicotinic delta subunit; plus strand). Cytogenetic location: 2q37.1.
Variant type: Duplication.
Coding change: c.1417dup on transcript NM_000751.3 (MANE Select); coding-DNA position 1417, one base duplicated (T; older notation c.1417dupT).
Protein change: p.Cys473fs; shifts the reading frame from cysteine 473.
Molecular consequence: frameshift variant.
Genome position (GRCh38, 1-based): chr2:232,535,175, T duplicated. VCF-style (leftmost placement, unchanged base first): chr2-232535174-C-CT. GRCh37 (hg19) VCF-style: chr2-233399884-C-CT.
Other names: c.1417dup (NM_000751.2); c.1372dup, p.Cys458fs (NM_001256657.2); c.835dup, p.Cys279fs (NM_001311195.2); c.1114dup, p.Cys372fs (NM_001311196.2); short protein forms C279fs, C372fs, C458fs, C473fs.
Identifiers: ClinVar variation 1007344 (VCV001007344.7), dbSNP rs1468893310, ClinGen allele CA540310033.